The following is an entry in ClinVar:

ClinVar aggregate classification (germline): Benign. Review status: criteria provided, multiple submitters, no conflicts (2 of 4 stars). 5 submissions from 5 submitters: Benign (5). Last evaluated 2026-02-04.

Allele frequency attached by ClinVar (database versions not stated): ESP Exome Variant Server 0.84676; TOPMed 0.85902; 1000 Genomes Project 0.86422; 1000 Genomes Project 30x 0.86836.

Submissions (5):

Labcorp Genetics (formerly Invitae), Labcorp
Classification: Benign. Last evaluated: 2026-02-04. Review status: criteria provided, single submitter. Criteria: Invitae Variant Classification Sherloc (09022015). Collection method: clinical testing. Allele origin: germline.

Blueprint Genetics
Classification: Benign. Last evaluated: 2024-11-28. Review status: criteria provided, single submitter. Criteria: ACMG Guidelines, 2015. Collection method: clinical testing. Allele origin: germline.

Unidad de Genómica Garrahan, Hospital de Pediatría Garrahan
Classification: Benign. Last evaluated: 2024-07-15. Review status: criteria provided, single submitter. Criteria: ACMG Guidelines, 2015. Collection method: clinical testing. Allele origin: germline. Affected: no. Observed: 90 variant alleles.
Comment: This variant is classified as Benign based on local population frequency. This variant was detected in 97% of patients studied in a panel designed for Epileptic and Developmental Encephalopathy and Progressive Myoclonus Epilepsy. Number of patients: 90. Only high quality variants are reported.

GeneDx
Classification: Benign. Last evaluated: 2018-11-10. Review status: criteria provided, single submitter. Criteria: GeneDx Variant Classification Process June 2021. Collection method: clinical testing. Allele origin: germline. Affected: yes.

Breakthrough Genomics
Classification: Benign. Review status: criteria provided, single submitter. Criteria: ACMG Guidelines, 2015. Collection method: not provided. Allele origin: germline. Inheritance: Unknown mechanism. Affected: yes.

NM_003661.4(APOL1):c.654C>A (p.Ala218=)

Gene: APOL1 (apolipoprotein L1; plus strand). Cytogenetic location: 22q12.3.
Variant type: single nucleotide variant.
Coding change: c.654C>A on transcript NM_003661.4 (MANE Select); coding-DNA position 654, C replaced by A.
Protein change: p.Ala218=; no amino-acid change (alanine 218 retained).
Molecular consequence: synonymous variant.
Genome position (GRCh38, 1-based): chr22:36,265,490, C>A. VCF-style: chr22-36265490-C-A. GRCh37 (hg19) VCF-style: chr22-36661536-C-A.
Other names: c.654C>A, p.Ala218= (NM_001136540.2); c.600C>A, p.Ala200= (NM_001136541.2, NM_001362927.2); c.702C>A, p.Ala234= (NM_145343.3).
Identifiers: ClinVar variation 1170848 (VCV001170848.14), dbSNP rs136174, ClinGen allele CA10208726.